The following is an entry in ClinVar:

ClinVar aggregate classification (germline): Uncertain significance. Review status: criteria provided, multiple submitters, no conflicts (2 of 4 stars). 3 submissions from 3 submitters: Uncertain significance (3). Last evaluated 2026-06-17.

Conditions:
Ocular cystinosis. Also called: Non-Nephropathic Cystinosis; Non-Nephropathic (Ocular) Cystinosis. Identifiers: Orphanet 213, Orphanet 411641, MedGen C2931013, MONDO:0009064, OMIM 219750.
Juvenile nephropathic cystinosis. Also called: Intermediate Cystinosis; Later-Onset (Juvenile) Cystinosis; CYSTINOSIS, LATE-ONSET JUVENILE OR ADOLESCENT NEPHROPATHIC TYPE. Identifiers: Orphanet 213, Orphanet 411634, MedGen C0268626, MONDO:0009066, OMIM 219900.
Inborn genetic diseases. Identifiers: MedGen C0950123, MeSH D030342.

Allele frequency attached by ClinVar (database versions not stated): ExAC 0.00001; gnomAD exomes 0.00001.
gnomAD v4.1: 10 of 1,614,200 alleles (0.00062%); highest among the groups gnomAD compares: Middle Eastern, 0.033%; no homozygotes.

Submissions (3):

Ambry Genetics
Classification: Uncertain significance for Inborn genetic diseases. Last evaluated: 2026-06-17. Review status: criteria provided, single submitter. Criteria: Ambry Variant Classification Scheme 2023. Collection method: clinical testing. Allele origin: germline.

Labcorp Genetics (formerly Invitae), Labcorp
Classification: Uncertain significance for Inborn genetic diseases; Ocular cystinosis; Juvenile nephropathic cystinosis. Last evaluated: 2022-07-28. Review status: criteria provided, single submitter. Criteria: Invitae Variant Classification Sherloc (09022015). Collection method: clinical testing. Allele origin: germline.
Comment: This sequence change replaces arginine, which is basic and polar, with cysteine, which is neutral and slightly polar, at codon 119 of the CTNS protein (p.Arg119Cys). This variant is present in population databases (rs771990787, gnomAD 0.0009%). This variant has not been reported in the literature in individuals affected with CTNS-related conditions. ClinVar contains an entry for this variant (Variation ID: 290319). Algorithms developed to predict the effect of missense changes on protein structure and function are either unavailable or do not agree on the potential impact of this missense change (SIFT: "Deleterious"; PolyPhen-2: "Possibly Damaging"; Align-GVGD: "Class C0"). In summary, the available evidence is currently insufficient to determine the role of this variant in disease. Therefore, it has been classified as a Variant of Uncertain Significance.

Eurofins Ntd Llc (ga)
Classification: Uncertain significance. Last evaluated: 2016-08-23. Review status: criteria provided, single submitter. Criteria: EGL Classification Definitions 2015. Collection method: clinical testing. Allele origin: germline. Observed: 1 variant allele, 1 heterozygote.

NM_004937.3(CTNS):c.355C>T (p.Arg119Cys)

Genes: CTNS (cystinosin, lysosomal cystine transporter; plus strand), CTNS-AS1 (CTNS antisense RNA 1; minus strand). Cytogenetic location: 17p13.2.
Variant type: single nucleotide variant.
Coding change: c.355C>T on transcript NM_004937.3 (MANE Select); coding-DNA position 355, C replaced by T.
Protein change: p.Arg119Cys; replaces arginine 119 with cysteine.
Molecular consequence: missense variant. On other transcripts: 5 prime UTR variant (4).
Genome position (GRCh38, 1-based): chr17:3,655,246, C>T. VCF-style: chr17-3655246-C-T. GRCh37 (hg19) VCF-style: chr17-3558540-C-T.
Other names: c.355C>T, p.Arg119Cys (NM_001031681.3, NM_001374492.1); c.-87C>T (NM_001374493.1, NM_001374494.1, NM_001374495.1 and 1 more transcripts); c.355C>T (NM_004937.2); short protein forms R119C.
Identifiers: ClinVar variation 290319 (VCV000290319.7), dbSNP rs771990787, ClinGen allele CA8291697.